The following is an entry in ClinVar:

ClinVar aggregate classification (germline): Uncertain significance (1 of 4 stars; one submission).

Conditions:
Early Myoclonic Encephalopathy. Identifiers: MedGen C0270855.

Submission:

Labcorp Genetics (formerly Invitae), Labcorp
Classification: Uncertain significance for Early Myoclonic Encephalopathy. Last evaluated: 2020-09-21. Review status: criteria provided, single submitter. Criteria: Invitae Variant Classification Sherloc (09022015). Collection method: clinical testing. Allele origin: germline.
Comment: In summary, the available evidence is currently insufficient to determine the role of this variant in disease. Therefore, it has been classified as a Variant of Uncertain Significance. Algorithms developed to predict the effect of missense changes on protein structure and function (SIFT, PolyPhen-2, Align-GVGD) all suggest that this variant is likely to be tolerated, but these predictions have not been confirmed by published functional studies and their clinical significance is uncertain. This variant has not been reported in the literature in individuals with JMJD1C-related conditions. This variant is not present in population databases (ExAC no frequency). This sequence change replaces alanine with glycine at codon 1919 of the JMJD1C protein (p.Ala1919Gly). The alanine residue is moderately conserved and there is a small physicochemical difference between alanine and glycine.

NM_032776.3(JMJD1C):c.5756C>G (p.Ala1919Gly)

Gene: JMJD1C (jumonji domain containing 1C; minus strand). Cytogenetic location: 10q21.3.
Variant type: single nucleotide variant.
Coding change: c.5756C>G on transcript NM_032776.3 (MANE Select); coding-DNA position 5756, C replaced by G.
Protein change: p.Ala1919Gly; replaces alanine 1919 with glycine.
Molecular consequence: missense variant. On other transcripts: non-coding transcript variant (1).
Genome position (GRCh38, 1-based): chr10:63,193,451, G>C on the plus strand (C>G on the coding strand, the complement: JMJD1C is on the minus strand). VCF-style: chr10-63193451-G-C. GRCh37 (hg19) VCF-style: chr10-64953211-G-C.
Other names: c.5210C>G, p.Ala1737Gly (NM_001282948.2, NM_001318154.2); c.4892C>G, p.Ala1631Gly (NM_001318153.2); c.5642C>G, p.Ala1881Gly (NM_001322252.2); c.5099C>G, p.Ala1700Gly (NM_001322254.2, NM_001322258.2); short protein forms A1631G, A1700G, A1737G, A1881G, A1919G.
Identifiers: ClinVar variation 1062964 (VCV001062964.9), dbSNP rs2133012137, ClinGen allele CA377027861.